The following is an entry in ClinVar:

ClinVar aggregate classification (germline): Likely benign (1 of 4 stars; one submission).

Conditions:
MC3R-related disorder. Also called: MC3R-related condition.

Submission:

PreventionGenetics, part of Exact Sciences
Classification: Likely benign for MC3R-related condition. Last evaluated: 2026-01-02. Review status: criteria provided, single submitter. Criteria: ACMG Guidelines, 2015. Collection method: clinical testing. Allele origin: germline.
Comment: This variant is classified as likely benign based on ACMG/AMP sequence variant interpretation guidelines (Richards et al. 2015 PMID: 25741868, with internal and published modifications).

NM_019888.3(MC3R):c.411C>T (p.Ala137=)

Gene: MC3R (melanocortin 3 receptor; plus strand). Cytogenetic location: 20q13.2.
Variant type: single nucleotide variant.
Coding change: c.411C>T on transcript NM_019888.3 (MANE Select); coding-DNA position 411, C replaced by T.
Protein change: p.Ala137=; no amino-acid change (alanine 137 retained).
Molecular consequence: synonymous variant.
Genome position (GRCh38, 1-based): chr20:56,249,254, C>T. VCF-style: chr20-56249254-C-T. GRCh37 (hg19) VCF-style: chr20-54824310-C-T.
Identifiers: ClinVar variation 4987836 (VCV004987836.1).